The following is an entry in ClinVar:

NM_000142.5(FGFR3):c.1254G>A (p.Pro418=)

Gene: FGFR3 (fibroblast growth factor receptor 3; plus strand). Cytogenetic location: 4p16.3.
Variant type: single nucleotide variant.
Coding change: c.1254G>A on transcript NM_000142.5 (MANE Select); coding-DNA position 1254, G replaced by A.
Protein change: p.Pro418=; no amino-acid change (proline 418 retained).
Molecular consequence: synonymous variant. On other transcripts: non-coding transcript variant (1), intron variant (1).
Genome position (GRCh38, 1-based): chr4:1,804,508, G>A. VCF-style: chr4-1804508-G-A. GRCh37 (hg19) VCF-style: chr4-1806235-G-A.
Other names: c.1260G>A, p.Pro420= (NM_001163213.2); c.1254G>A, p.Pro418= (NM_001354809.2, NM_001354810.2); c.931-316G>A (NM_022965.4).
Identifiers: ClinVar variation 2144732 (VCV002144732.6), dbSNP rs748419731, ClinGen allele CA2810323.

ClinVar aggregate classification (germline): Likely benign. Review status: criteria provided, single submitter (1 of 4 stars). 2 submissions from 2 submitters: Likely benign (1). 1 of the submissions does not count toward it. Last evaluated 2022-04-24.

Conditions:
FGFR3-related disorder. Also called: FGFR3-related disorders.

Allele frequency attached by ClinVar (database versions not stated): ExAC 0.00001; gnomAD 0.00001; gnomAD exomes 0.00001; TOPMed 0.00003.
gnomAD v4.1: 13 of 1,612,404 alleles (0.00081%); highest among the groups gnomAD compares: Admixed American, 0.005%; no homozygotes.

Submissions (2):

Labcorp Genetics (formerly Invitae), Labcorp
Classification: Likely benign. Last evaluated: 2022-04-24. Review status: criteria provided, single submitter. Criteria: Invitae Variant Classification Sherloc (09022015). Collection method: clinical testing. Allele origin: germline.

PreventionGenetics, part of Exact Sciences
Classification: Likely benign for FGFR3-related condition. Last evaluated: 2022-05-25. Review status: no assertion criteria provided. Collection method: clinical testing. Allele origin: germline. Not counted in ClinVar's aggregate classification.
Comment: This variant is classified as likely benign based on ACMG/AMP sequence variant interpretation guidelines (Richards et al. 2015 PMID: 25741868, with internal and published modifications).